The following is an entry in ClinVar:

ClinVar aggregate classification (germline): Uncertain significance (1 of 4 stars; one submission).

Submission:

Labcorp Genetics (formerly Invitae), Labcorp
Classification: Uncertain significance. Last evaluated: 2022-06-19. Review status: criteria provided, single submitter. Criteria: Invitae Variant Classification Sherloc (09022015). Collection method: clinical testing. Allele origin: germline.
Comment: In summary, the available evidence is currently insufficient to determine the role of this variant in disease. Therefore, it has been classified as a Variant of Uncertain Significance. Algorithms developed to predict the effect of missense changes on protein structure and function (SIFT, PolyPhen-2, Align-GVGD) all suggest that this variant is likely to be tolerated. This variant has not been reported in the literature in individuals affected with SPART-related conditions. This variant is not present in population databases (gnomAD no frequency). This sequence change replaces threonine, which is neutral and polar, with serine, which is neutral and polar, at codon 623 of the SPART protein (p.Thr623Ser).

NM_015087.5(SPART):c.1867A>T (p.Thr623Ser)

Gene: SPART (spartin; minus strand). Cytogenetic location: 13q13.3.
Variant type: single nucleotide variant.
Coding change: c.1867A>T on transcript NM_015087.5 (MANE Select); coding-DNA position 1867, A replaced by T.
Protein change: p.Thr623Ser; replaces threonine 623 with serine.
Molecular consequence: missense variant.
Genome position (GRCh38, 1-based): chr13:36,304,499, T>A on the plus strand (A>T on the coding strand, the complement: SPART is on the minus strand). VCF-style: chr13-36304499-T-A. GRCh37 (hg19) VCF-style: chr13-36878636-T-A.
Other names: c.1867A>T, p.Thr623Ser (NM_001142294.2, NM_001142295.2, NM_001142296.2); short protein forms T623S.
Identifiers: ClinVar variation 2165059 (VCV002165059.4), dbSNP rs1880296737, ClinGen allele CA387853232.
Genomic context (GRCh38, chr13:36,304,499, plus strand): 5'-CTGCTCCTTCTTGATTTTCCCTCTGAGAATTATCAACTATCTGATAGTCCTCAAGGAGAG[T>A]GTGTCCTGTTTGTGTTGCAGTTTTCTTCACCATTGCTTTGATACCAATGTTGTTAATATT-3'
Protein context (NP_055902.1, residues 613-633): VKKTATQTGH[Thr623Ser]LLEDYQIVDN